The following is an entry in ClinVar:

ClinVar aggregate classification (germline): Pathogenic (1 of 4 stars; one submission).

Conditions:
Supravalvar aortic stenosis (SVAS). Also called: Supravalvar aortic stenosis, Eisenberg type. Identifiers: Orphanet 3193, MedGen C0003499, MONDO:0008504, OMIM 185500, HP:0004381.

Submission:

Labcorp Genetics (formerly Invitae), Labcorp
Classification: Pathogenic for Supravalvar aortic stenosis. Last evaluated: 2023-06-22. Review status: criteria provided, single submitter. Criteria: Invitae Variant Classification Sherloc (09022015). Collection method: clinical testing. Allele origin: germline.
Comment: This sequence change creates a premature translational stop signal (p.Gly122*) in the ELN gene. It is expected to result in an absent or disrupted protein product. Loss-of-function variants in ELN are known to be pathogenic (PMID: 11175284). This variant is not present in population databases (gnomAD no frequency). This variant has not been reported in the literature in individuals affected with ELN-related conditions. For these reasons, this variant has been classified as Pathogenic.

Literature cited by the submitters: PubMed 11175284.

NM_000501.4(ELN):c.364G>T (p.Gly122Ter)

Gene: ELN (elastin; plus strand). Cytogenetic location: 7q11.23.
Variant type: single nucleotide variant.
Coding change: c.364G>T on transcript NM_000501.4 (MANE Select); coding-DNA position 364, G replaced by T.
Protein change: p.Gly122Ter; replaces glycine 122 with a stop codon.
Molecular consequence: nonsense.
Genome position (GRCh38, 1-based): chr7:74,043,022, G>T. VCF-style: chr7-74043022-G-T. GRCh37 (hg19) VCF-style: chr7-73457352-G-T.
Other names: c.334G>T, p.Gly112Ter (NM_001081752.3, NM_001278914.2, NM_001278917.2 and 1 more transcripts); c.364G>T, p.Gly122Ter (NM_001081753.3, NM_001081754.3, NM_001081755.3 and 4 more transcripts); c.328G>T, p.Gly110Ter (NM_001278913.2); short protein forms G110*, G112*, G122*.
Identifiers: ClinVar variation 2724257 (VCV002724257.3), dbSNP rs2485140568, ClinGen allele CA367869412.